The following is an entry in ClinVar:

NM_014055.4(IFT81):c.1196G>T (p.Arg399Leu)

Gene: IFT81 (intraflagellar transport 81; plus strand). Cytogenetic location: 12q24.11.
Variant type: single nucleotide variant.
Coding change: c.1196G>T on transcript NM_014055.4 (MANE Select); coding-DNA position 1196, G replaced by T.
Protein change: p.Arg399Leu; replaces arginine 399 with leucine.
Molecular consequence: missense variant. On other transcripts: non-coding transcript variant (4).
Genome position (GRCh38, 1-based): chr12:110,180,429, G>T. VCF-style: chr12-110180429-G-T. GRCh37 (hg19) VCF-style: chr12-110618234-G-T.
Other names: c.1196G>T, p.Arg399Leu (NM_001143779.2); c.266G>T, p.Arg89Leu (NM_001347947.2, NM_001347948.2); short protein forms R399L, R89L.
Identifiers: ClinVar variation 838419 (VCV000838419.7), dbSNP rs748795308, ClinGen allele CA6783311.

ClinVar aggregate classification (germline): Uncertain significance. Review status: criteria provided, multiple submitters, no conflicts (2 of 4 stars). 2 submissions from 2 submitters: Uncertain significance (2). Last evaluated 2024-07-02.

Conditions:
Inborn genetic diseases. Identifiers: MedGen C0950123, MeSH D030342.

Allele frequency attached by ClinVar (database versions not stated): gnomAD exomes 0.00002; ExAC 0.00003; TOPMed 0.00004.
gnomAD v4.1: 9 of 1,595,294 alleles (0.00056%); highest among the groups gnomAD compares: Admixed American, 0.014%; no homozygotes.

Submissions (2):

Ambry Genetics
Classification: Uncertain significance for Inborn genetic diseases. Last evaluated: 2024-07-02. Review status: criteria provided, single submitter. Criteria: Ambry Variant Classification Scheme 2023. Collection method: clinical testing. Allele origin: germline.

Labcorp Genetics (formerly Invitae), Labcorp
Classification: Uncertain significance. Last evaluated: 2022-08-16. Review status: criteria provided, single submitter. Criteria: Invitae Variant Classification Sherloc (09022015). Collection method: clinical testing. Allele origin: germline.
Comment: This variant has not been reported in the literature in individuals affected with IFT81-related conditions. This variant is present in population databases (rs748795308, gnomAD 0.02%). This sequence change replaces arginine, which is basic and polar, with leucine, which is neutral and non-polar, at codon 399 of the IFT81 protein (p.Arg399Leu). ClinVar contains an entry for this variant (Variation ID: 838419). In summary, the available evidence is currently insufficient to determine the role of this variant in disease. Therefore, it has been classified as a Variant of Uncertain Significance. Algorithms developed to predict the effect of missense changes on protein structure and function are either unavailable or do not agree on the potential impact of this missense change (SIFT: "Deleterious"; PolyPhen-2: "Possibly Damaging"; Align-GVGD: "Class C0").